The following is an entry in ClinVar:

NM_000207.3(INS):c.242C>T (p.Ala81Val)

Genes: INS (insulin; minus strand), INS-IGF2 (INS-IGF2 readthrough; minus strand). Cytogenetic location: 11p15.5.
Variant type: single nucleotide variant.
Coding change: c.242C>T on transcript NM_000207.3 (MANE Select); coding-DNA position 242, C replaced by T.
Protein change: p.Ala81Val; replaces alanine 81 with valine.
Molecular consequence: missense variant. On other transcripts: intron variant (1).
Genome position (GRCh38, 1-based): chr11:2,159,943, G>A on the plus strand (C>T on the coding strand, the complement: INS is on the minus strand). VCF-style: chr11-2159943-G-A. GRCh37 (hg19) VCF-style: chr11-2181173-G-A.
Other names: c.242C>T, p.Ala81Val (NM_001185097.2, NM_001185098.2, NM_001291897.2); c.187+842C>T (NM_001042376.3); short protein forms A81V.
Identifiers: ClinVar variation 3346944 (VCV003346944.1).

ClinVar aggregate classification (germline): Uncertain significance (0 of 4 stars; one submission).

Conditions:
INS-related disorder. Also called: INS-related condition.

Submission:

PreventionGenetics, part of Exact Sciences
Classification: Uncertain significance for INS-related condition. Last evaluated: 2024-03-14. Review status: no assertion criteria provided. Collection method: clinical testing. Allele origin: germline.
Comment: The INS c.242C>T variant is predicted to result in the amino acid substitution p.Ala81Val. To our knowledge, this variant has not been reported in the literature. This variant is reported in 0.019% of alleles in individuals of South Asian descent in gnomAD. At this time, the clinical significance of this variant is uncertain due to the absence of conclusive functional and genetic evidence.